The following is an entry in ClinVar:

ClinVar aggregate classification (germline): Uncertain significance (1 of 4 stars; one submission).

Allele frequency attached by ClinVar (database versions not stated): gnomAD exomes 0.00001.
gnomAD v4.1: 13 of 1,613,836 alleles (0.00081%); highest among the groups gnomAD compares: Non-Finnish European, 0.0011%; no homozygotes.

Submission:

CeGaT Center for Human Genetics Tuebingen
Classification: Uncertain significance. Last evaluated: 2023-08-01. Review status: criteria provided, single submitter. Criteria: CeGaT Center For Human Genetics Tuebingen Variant Classification Criteria Version 2. Collection method: clinical testing. Allele origin: germline. Affected: yes. Observed: 1 variant allele.
Comment: MED13: PM2, PP3

NM_005121.3(MED13):c.6458G>A (p.Arg2153His)

Gene: MED13 (mediator complex subunit 13; minus strand). Cytogenetic location: 17q23.2.
Variant type: single nucleotide variant.
Coding change: c.6458G>A on transcript NM_005121.3 (MANE Select); coding-DNA position 6458, G replaced by A.
Protein change: p.Arg2153His; replaces arginine 2153 with histidine.
Molecular consequence: missense variant.
Genome position (GRCh38, 1-based): chr17:61,946,535, C>T on the plus strand (G>A on the coding strand, the complement: MED13 is on the minus strand). VCF-style: chr17-61946535-C-T. GRCh37 (hg19) VCF-style: chr17-60023896-C-T.
Other names: short protein forms R2153H.
Identifiers: ClinVar variation 2648004 (VCV002648004.24), dbSNP rs2509194117, ClinGen allele CA400498983.